The following is an entry in ClinVar:

NM_004260.4(RECQL4):c.1358T>C (p.Leu453Pro)

Gene: RECQL4 (RecQ like helicase 4; minus strand). Cytogenetic location: 8q24.3.
Variant type: single nucleotide variant.
Coding change: c.1358T>C on transcript NM_004260.4 (MANE Select); coding-DNA position 1358, T replaced by C.
Protein change: p.Leu453Pro; replaces leucine 453 with proline.
Molecular consequence: missense variant.
Genome position (GRCh38, 1-based): chr8:144,515,358, A>G on the plus strand (T>C on the coding strand, the complement: RECQL4 is on the minus strand). VCF-style: chr8-144515358-A-G. GRCh37 (hg19) VCF-style: chr8-145740742-A-G.
Other names: c.1358T>C (NM_004260.3); short protein forms L453P.
Identifiers: ClinVar variation 1041529 (VCV001041529.6), dbSNP rs766718254, ClinGen allele CA372685443.

ClinVar aggregate classification (germline): Uncertain significance. Review status: criteria provided, multiple submitters, no conflicts (2 of 4 stars). 2 submissions from 2 submitters: Uncertain significance (2). Last evaluated 2024-12-16.

Conditions:
Inborn genetic diseases. Identifiers: MedGen C0950123, MeSH D030342.
Baller-Gerold syndrome (BGS). Also called: CRANIOSYNOSTOSIS WITH RADIAL DEFECTS. Identifiers: Orphanet 1225, MedGen C0265308, MONDO:0009039, OMIM 218600.

gnomAD v4.1: 8 of 1,612,766 alleles (0.0005%); highest among the groups gnomAD compares: Non-Finnish European, 0.00059%; no homozygotes.

Submissions (2):

Ambry Genetics
Classification: Uncertain significance for Inborn genetic diseases. Last evaluated: 2024-12-16. Review status: criteria provided, single submitter. Criteria: Ambry Variant Classification Scheme 2023. Collection method: clinical testing. Allele origin: germline.
Comment: The p.L453P variant (also known as c.1358T>C), located in coding exon 7 of the RECQL4 gene, results from a T to C substitution at nucleotide position 1358. The leucine at codon 453 is replaced by proline, an amino acid with similar properties. This amino acid position is conserved. In addition, this alteration is predicted to be deleterious by in silico analysis. Based on the available evidence, the clinical significance of this variant remains unclear.

Labcorp Genetics (formerly Invitae), Labcorp
Classification: Uncertain significance for Baller-Gerold syndrome. Last evaluated: 2024-07-06. Review status: criteria provided, single submitter. Criteria: Invitae Variant Classification Sherloc (09022015). Collection method: clinical testing. Allele origin: germline.
Comment: This sequence change replaces leucine, which is neutral and non-polar, with proline, which is neutral and non-polar, at codon 453 of the RECQL4 protein (p.Leu453Pro). This variant is not present in population databases (gnomAD no frequency). This variant has not been reported in the literature in individuals affected with RECQL4-related conditions. ClinVar contains an entry for this variant (Variation ID: 1041529). Advanced modeling of protein sequence and biophysical properties (such as structural, functional, and spatial information, amino acid conservation, physicochemical variation, residue mobility, and thermodynamic stability) performed at Invitae indicates that this missense variant is expected to disrupt RECQL4 protein function with a positive predictive value of 80%. In summary, the available evidence is currently insufficient to determine the role of this variant in disease. Therefore, it has been classified as a Variant of Uncertain Significance.